The following is an entry in ClinVar:

ClinVar aggregate classification (germline): Uncertain significance. Review status: criteria provided, multiple submitters, no conflicts (2 of 4 stars). 4 submissions from 4 submitters: Uncertain significance (4). Last evaluated 2025-07-30.

Conditions:
Marfan syndrome (MFS). Also called: MARFAN SYNDROME, TYPE I; FBN1-Related Marfan Syndrome; Marfan syndrome type 1; Marfan's syndrome; Marfan syndrome, classic. Identifiers: Orphanet 284963, Orphanet 558, MedGen C0024796, MONDO:0007947, OMIM 154700.
Familial thoracic aortic aneurysm and aortic dissection (TAAD). Also called: Thoracic aortic aneurysms and dissections. Identifiers: Orphanet 91387, MedGen C4707243, MONDO:0019625.

Allele frequency attached by ClinVar (database versions not stated): gnomAD 0.00001; TOPMed 0.00001; 1000 Genomes Project 0.00020; 1000 Genomes Project 30x 0.00016.
gnomAD v4.1: 29 of 1,577,942 alleles (0.0018%); highest among the groups gnomAD compares: Admixed American, 0.018%; no homozygotes.

Submissions (4):

Labcorp Genetics (formerly Invitae), Labcorp
Classification: Uncertain significance for Marfan syndrome; Familial thoracic aortic aneurysm and aortic dissection. Last evaluated: 2025-07-30. Review status: criteria provided, single submitter. Criteria: Invitae Variant Classification Sherloc (09022015). Collection method: clinical testing. Allele origin: germline.
Comment: This sequence change falls in intron 47 of the FBN1 gene. It does not directly change the encoded amino acid sequence of the FBN1 protein. It affects a nucleotide within the consensus splice site. This variant is present in population databases (rs577301285, gnomAD 0.02%). This variant has not been reported in the literature in individuals affected with FBN1-related conditions. ClinVar contains an entry for this variant (Variation ID: 457235). Variants that disrupt the consensus splice site are a relatively common cause of aberrant splicing (PMID: 17576681, 9536098). Algorithms developed to predict the effect of sequence changes on RNA splicing suggest that this variant is not likely to affect RNA splicing. In summary, the available evidence is currently insufficient to determine the role of this variant in disease. Therefore, it has been classified as a Variant of Uncertain Significance.

GeneDx
Classification: Uncertain significance. Last evaluated: 2023-11-30. Review status: criteria provided, single submitter. Criteria: GeneDx Variant Classification Process June 2021. Collection method: clinical testing. Allele origin: germline.
Comment: Has not been previously published as pathogenic or benign to our knowledge; In silico analysis suggests this variant may impact gene splicing. In the absence of RNA/functional studies, the actual effect of this sequence change is unknown.

Color Diagnostics, LLC DBA Color Health
Classification: Uncertain significance for Familial thoracic aortic aneurysm and aortic dissection. Last evaluated: 2023-07-25. Review status: criteria provided, single submitter. Criteria: ACMG Guidelines, 2015. Collection method: clinical testing. Allele origin: germline.
Comment: This variant causes a C to T nucleotide substitution at the +4 position of intron 47 of the FBN1 gene. To our knowledge, RNA studies have not been reported for this variant. This variant has not been reported in individuals affected with FBN1-related disorders in the literature. This variant has been identified in 8/251020 chromosomes in the general population by the Genome Aggregation Database (gnomAD). The available evidence is insufficient to determine the role of this variant in disease conclusively. Therefore, this variant is classified as a Variant of Uncertain Significance.

Women's Health and Genetics/Laboratory Corporation of America, LabCorp
Classification: Uncertain significance. Last evaluated: 2020-10-19. Review status: criteria provided, single submitter. Criteria: LabCorp Variant Classification Summary - May 2015. Collection method: clinical testing. Allele origin: germline.
Comment: Variant summary: FBN1 c.5788+4C>T alters a non-conserved nucleotide located close to a canonical splice site and therefore could affect mRNA splicing, leading to a significantly altered protein sequence. 4/4 computational tools predict no significant impact on normal splicing. However, these predictions have yet to be confirmed by functional studies. The variant allele was found at a frequency of 3.2e-05 in 251020 control chromosomes. The available data on variant occurrences in the general population are insufficient to allow any conclusion about variant significance. To our knowledge, no occurrence of c.5788+4C>T in individuals affected with Marfan Syndrome and no experimental evidence demonstrating its impact on protein function have been reported. One clinical diagnostic laboratory has submitted clinical-significance assessments for this variant to ClinVar after 2014 without evidence for independent evaluation. One laboratory classified the variant as uncertain significance. Based on the evidence outlined above, the variant was classified as uncertain significance.

Literature cited by the submitters: PubMed 17576681 (cited by Labcorp Genetics (formerly Invitae), Labcorp); PubMed 9536098 (cited by Labcorp Genetics (formerly Invitae), Labcorp).

NM_000138.5(FBN1):c.5788+4C>T

Gene: FBN1 (fibrillin 1; minus strand). Cytogenetic location: 15q21.1.
Variant type: single nucleotide variant.
Coding change: c.5788+4C>T on transcript NM_000138.5 (MANE Select); 4 bases into the intron after coding-DNA position 5788, C replaced by T.
Molecular consequence: intron variant.
Genome position (GRCh38, 1-based): chr15:48,446,702, G>A on the plus strand (C>T on the coding strand, the complement: FBN1 is on the minus strand). VCF-style: chr15-48446702-G-A. GRCh37 (hg19) VCF-style: chr15-48738899-G-A.
Identifiers: ClinVar variation 457235 (VCV000457235.15), dbSNP rs577301285, ClinGen allele CA055647.